The following is an entry in ClinVar:

ClinVar aggregate classification (germline): Conflicting classifications of pathogenicity. Review status: criteria provided, conflicting classifications (1 of 4 stars). 12 submissions from 12 submitters: Uncertain significance (6); Uncertain risk allele (1); Likely benign (4). 1 of the submissions does not count toward it. Last evaluated 2026-06-01.

Conditions:
TGFBR2-related disorder. Also called: TGFBR2-related condition.
Loeys-Dietz syndrome (LDS). Identifiers: Orphanet 60030, MedGen C2697932, MONDO:0018954.
Familial thoracic aortic aneurysm and aortic dissection (TAAD). Also called: Thoracic aortic aneurysms and dissections. Identifiers: Orphanet 91387, MedGen C4707243, MONDO:0019625.
Diabetic retinopathy. Identifiers: MedGen C0011884, MONDO:0005266.
Loeys-Dietz syndrome 2 (LDS2). Also called: Marfan syndrome, type 2 (formerly); Marfan Syndrome type 2; Marfan like connective tissue disorder; MFS 2; AORTIC ANEURYSM, FAMILIAL THORACIC 3; MARFAN SYNDROME, TYPE II. Identifiers: Orphanet 284973, Orphanet 558, MedGen C2674574, MONDO:0012427, OMIM 610168.

Allele frequency attached by ClinVar (database versions not stated): gnomAD exomes 0.00001 and 0.00004; TOPMed 0.00005; ExAC 0.00007; gnomAD 0.00009 and 0.00010.

Submissions (12):

Women's Health and Genetics/Laboratory Corporation of America, LabCorp
Classification: Likely benign. Last evaluated: 2026-06-01. Review status: criteria provided, single submitter. Criteria: LabCorp Variant Classification Summary - May 2015. Collection method: clinical testing. Allele origin: germline.
Comment: Variant summary: TGFBR2 c.367A>T (p.Met123Leu) results in a conservative amino acid change in the encoded protein sequence. Algorithms developed to predict the effect of missense changes on protein structure and function are either unavailable or do not agree on the potential impact of this missense change. The variant allele was found at a frequency of 3.2e-05 in 1613906 control chromosomes, predominantly at a frequency of 0.00023 within the Latino subpopulation in the gnomAD database. The observed variant frequency within Latino control individuals in the gnomAD database exceeds the estimated maximal expected allele frequency for disease-causing variants in TGFBR2. To our knowledge, no occurrence of c.367A>T in individuals affected with TGFBR2-related conditions and no experimental evidence demonstrating its impact on protein function have been reported. ClinVar contains an entry for this variant (Variation ID: 213939). Based on the evidence outlined above, the variant was classified as likely benign.

Labcorp Genetics (formerly Invitae), Labcorp
Classification: Likely benign for Familial thoracic aortic aneurysm and aortic dissection. Last evaluated: 2026-01-21. Review status: criteria provided, single submitter. Criteria: Invitae Variant Classification Sherloc (09022015). Collection method: clinical testing. Allele origin: germline.

Ambry Genetics
Classification: Uncertain significance for Familial thoracic aortic aneurysm and aortic dissection. Last evaluated: 2025-04-02. Review status: criteria provided, single submitter. Criteria: Ambry Variant Classification Scheme 2023. Collection method: clinical testing. Allele origin: germline.
Comment: The p.M123L variant (also known as c.367A>T), located in coding exon 3 of the TGFBR2 gene, results from an A to T substitution at nucleotide position 367. The methionine at codon 123 is replaced by leucine, an amino acid with some highly similar properties. This amino acid position is highly conserved in available vertebrate species. In addition, this alteration is predicted to be deleterious by in silico analysis. Since supporting evidence is limited at this time, the clinical significance of this variant remains unclear.

PreventionGenetics, part of Exact Sciences
Classification: Uncertain significance for TGFBR2-related condition. Last evaluated: 2025-02-25. Review status: criteria provided, single submitter. Criteria: ACMG Guidelines, 2015. Collection method: clinical testing. Allele origin: germline.
Comment: The TGFBR2 c.367A>T variant is predicted to result in the amino acid substitution p.Met123Leu. To our knowledge, this variant has not been reported in the literature. This variant is reported in 0.025% of alleles in individuals of East Asian descent in gnomAD. At this time, the clinical significance of this variant is uncertain due to the absence of conclusive functional and genetic evidence.

Color Diagnostics, LLC DBA Color Health
Classification: Likely benign for Familial thoracic aortic aneurysm and aortic dissection. Last evaluated: 2025-01-28. Review status: criteria provided, single submitter. Criteria: ACMG Guidelines, 2015. Collection method: clinical testing. Allele origin: germline.

All of Us Research Program, National Institutes of Health
Classification: Uncertain significance for Loeys-Dietz syndrome 2. Last evaluated: 2024-09-23. Review status: criteria provided, single submitter. Criteria: ACMG Guidelines, 2015. Collection method: clinical testing. Allele origin: germline. Inheritance: Autosomal dominant inheritance. Observed: 21 variant alleles, 21 heterozygotes.
Comment: This missense variant replaces methionine with leucine at codon 123 of the TGFBR2 protein. Computational prediction is inconclusive regarding the impact of this variant on protein structure and function (internally defined REVEL score threshold 0.5 < inconclusive < 0.7, PMID: 27666373). To our knowledge, functional studies have not been reported for this variant. This variant has not been reported in individuals affected with cardiovascular disorders in the literature. This variant has been identified in 11/282168 chromosomes in the general population by the Genome Aggregation Database (gnomAD). The available evidence is insufficient to determine the role of this variant in disease conclusively. Therefore, this variant is classified as a Variant of Uncertain Significance.

This study involves interpretation of variants in research participants for the purpose of population health screening. Participant phenotype was not available at the time of variant classification. Additional details can be found in publication PMID: 35346344, PMCID: PMC8962531

Blueprint Genetics
Classification: Likely benign. Last evaluated: 2024-09-03. Review status: criteria provided, single submitter. Criteria: ACMG Guidelines, 2015. Collection method: clinical testing. Allele origin: germline.

Revvity Omics, Revvity
Classification: Uncertain significance. Last evaluated: 2022-03-11. Review status: criteria provided, single submitter. Criteria: ACMG Guidelines, 2015. Collection method: clinical testing. Allele origin: germline.

GeneDx
Classification: Uncertain significance. Last evaluated: 2018-11-01. Review status: criteria provided, single submitter. Criteria: GeneDx Variant Classification (06012015). Collection method: clinical testing. Allele origin: germline. Affected: yes.
Comment: The M123L variant of uncertain significance in the TGFBR2 gene has not been published as a pathogenic or benign variant to our knowledge. This variant was not observed in approximately 6,500 individuals of European and African American ancestry in the NHLBI Exome Sequencing Project or with any significant frequency in the Exome Aggregation Consortium, indicating it is not a common benign variant in these populations. The M123L variant has been identified in several other individuals referred for Marfan/TAAD genetic testing at GeneDx; however, the majority of individuals harbored a second cardiogenetic variant. This substitution occurs at a position that is conserved across species, and the majority of in silico tools predict this variant is probably damaging to the protein structure/function. Nevertheless, the M123L variant is a conservative amino acid substitution, which may not impact secondary protein structure as these residues share similar properties. Therefore, based on the currently available information, it is unclear whether this variant is pathogenic or rare benign.

ARUP Laboratories, Molecular Genetics and Genomics, ARUP Laboratories
Classification: Uncertain significance. Last evaluated: 2017-01-06. Review status: criteria provided, single submitter. Criteria: ARUP Molecular Germline Variant Investigation Process. Collection method: clinical testing. Allele origin: germline.

Clinical Genomics, Uppaluri K&H Personalized Medicine Clinic
Classification: Uncertain risk allele for Diabetic retinopathy. Review status: criteria provided, single submitter. Criteria: K And H Uppaluri Personalized Medicine Clinic Variant Classification And Assertion Criteria Updated V 2. Collection method: research. Allele origin: unknown.
Comment: Potent mutations in TGFBR2 gene encodes the transforming growth factor that have been associated with angiogenesis and diabetic retinopathy. More clinical studies are needed for stronger association. However, more evidence is required to confer the association of this particular variant rs768385200 with diabetic retinopathy.

Department of Pathology and Laboratory Medicine, Sinai Health System
Classification: Uncertain significance. Review status: no assertion criteria provided. Collection method: clinical testing. Allele origin: unknown. Affected: yes. Study: The Canadian Open Genetics Repository (COGR). Not counted in ClinVar's aggregate classification.
Comment: The TGFBR2 p.Met123Leu variant was not identified in the literature nor was it identified in Cosmic. The variant was identified in dbSNP (ID: rs768385200), LOVD 3.0 and ClinVar (classified as uncertain significance by GeneDx, Ambry Genetics, ARUP Laboratories and Invitae, and as likely benign by Illumina). The variant was identified in control databases in 9 of 267632 chromosomes at a frequency of 0.00003363 (Genome Aggregation Database March 6, 2019, v2.1.1, non-cancer). The variant was observed in the following populations: Other in 2 of 6684 chromosomes (freq: 0.000299), East Asian in 3 of 19248 chromosomes (freq: 0.000156), Latino in 3 of 35078 chromosomes (freq: 0.000086) and African in 1 of 23596 chromosomes (freq: 0.000042), but was not observed in the Ashkenazi Jewish, European (Finnish), European (non-Finnish), or South Asian populations. The p.Met123 residue is conserved in mammals and computational analyses (PolyPhen-2, SIFT, AlignGVGD, BLOSUM, MutationTaster) provide inconsistent predictions regarding the impact to the protein; this information is not very predictive of pathogenicity. The variant occurs outside of the splicing consensus sequence and in silico or computational prediction software programs (SpliceSiteFinder, MaxEntScan, NNSPLICE, GeneSplicer) do not predict a difference in splicing. In summary, based on the above information the clinical significance of this variant cannot be determined with certainty at this time. This variant is classified as a variant of uncertain significance.

Literature cited by the submitters: PubMed 30222965 (cited by Clinical Genomics, Uppaluri K&H Personalized Medicine Clinic); PubMed 28162229 (cited by Clinical Genomics, Uppaluri K&H Personalized Medicine Clinic); PubMed 34572573 (cited by Clinical Genomics, Uppaluri K&H Personalized Medicine Clinic).

NM_003242.6(TGFBR2):c.367A>T (p.Met123Leu)

Gene: TGFBR2 (transforming growth factor beta receptor 2; plus strand). Cytogenetic location: 3p24.1.
Variant type: single nucleotide variant.
Coding change: c.367A>T on transcript NM_003242.6 (MANE Select); coding-DNA position 367, A replaced by T.
Protein change: p.Met123Leu; replaces methionine 123 with leucine.
Molecular consequence: missense variant.
Genome position (GRCh38, 1-based): chr3:30,650,373, A>T. VCF-style: chr3-30650373-A-T. GRCh37 (hg19) VCF-style: chr3-30691865-A-T.
Other names: p.M123L:ATG>TTG; c.442A>T, p.Met148Leu (NM_001024847.3, NM_001407126.1, NM_001407139.1); c.367A>T, p.Met123Leu (NM_001407127.1, NM_001407130.1); c.394A>T, p.Met132Leu (NM_001407128.1); c.262A>T, p.Met88Leu (NM_001407129.1, NM_001407132.1, NM_001407133.1 and 3 more transcripts); short protein forms M123L, M148L, M132L, M88L.
Identifiers: ClinVar variation 213939 (VCV000213939.38), dbSNP rs768385200, ClinGen allele CA048064.